The following is an entry in ClinVar:

NM_001018115.3(FANCD2):c.3888+2T>G

Genes: FANCD2 (FA complementation group D2; plus strand), FANCD2OS (FANCD2 opposite strand; minus strand). Cytogenetic location: 3p25.3.
Variant type: single nucleotide variant.
Coding change: c.3888+2T>G on transcript NM_001018115.3 (MANE Select); the canonical splice donor site of the intron after coding-DNA position 3888, T replaced by G.
Molecular consequence: splice donor variant. On other transcripts: intron variant (2).
Genome position (GRCh38, 1-based): chr3:10,093,325, T>G. VCF-style: chr3-10093325-T-G. GRCh37 (hg19) VCF-style: chr3-10135009-T-G.
Other names: c.3888+2T>G (NM_033084.4, NM_001319984.2, NM_033084.6); c.3777+2T>G (NM_001374253.1); c.3850-964T>G (NM_001374254.1); c.*43+10873A>C (NM_173472.2).
Identifiers: ClinVar variation 1071033 (VCV001071033.10), dbSNP rs1419879344, ClinGen allele CA351756384.

ClinVar aggregate classification (germline): Pathogenic/Likely pathogenic. Review status: criteria provided, multiple submitters, no conflicts (2 of 4 stars). 4 submissions from 4 submitters: Pathogenic (3); Likely pathogenic (1). Last evaluated 2025-12-14.

Conditions:
Fanconi anemia (FA). Also called: Fanconi's anemia. Identifiers: Orphanet 84, MedGen C0015625, MeSH D005199, MONDO:0019391.
Fanconi anemia complementation group D2. Also called: FANCD2-Related Fanconi Anemia; FANCONI PANCYTOPENIA, TYPE 4; FANCONI ANEMIA, COMPLEMENTATION GROUP D. Identifiers: Orphanet 84, MedGen C3160738, MONDO:0009214, OMIM 227646.

Allele frequency attached by ClinVar (database versions not stated): TOPMed 0.00001; gnomAD 0.00001; gnomAD exomes 0.00001.
gnomAD v4.1: 13 of 1,610,746 alleles (0.00081%); highest among the groups gnomAD compares: Non-Finnish European, 0.001%; no homozygotes.

Submissions (4):

Labcorp Genetics (formerly Invitae), Labcorp
Classification: Pathogenic for Fanconi anemia. Last evaluated: 2025-12-14. Review status: criteria provided, single submitter. Criteria: Invitae Variant Classification Sherloc (09022015). Collection method: clinical testing. Allele origin: germline.
Comment: This sequence change affects a donor splice site in intron 39 of the FANCD2 gene. RNA analysis indicates that disruption of this splice site induces altered splicing and likely results in a shortened protein product. This variant is present in population databases (no rsID available, gnomAD 0.003%). Disruption of this splice site has been observed in individual(s) with clinical features of Fanconi anemia (PMID: 23285130). ClinVar contains an entry for this variant (Variation ID: 1071033). Studies have shown that disruption of this splice site results in skipping of exon 39, but is expected to preserve the integrity of the reading-frame (PMID: 23285130). For these reasons, this variant has been classified as Pathogenic.

GeneDx
Classification: Likely pathogenic. Last evaluated: 2025-02-12. Review status: criteria provided, single submitter. Criteria: GeneDx Variant Classification Process June 2021. Collection method: clinical testing. Allele origin: germline. Affected: yes.
Comment: Canonical splice site variant predicted to result in an in-frame loss of the adjacent exon in a gene for which loss of function is a known mechanism of disease; Not observed at significant frequency in large population cohorts (gnomAD); This variant is associated with the following publications: (PMID: 32191290, 23285130, 39768544)

Fulgent Genetics
Classification: Pathogenic for Fanconi anemia complementation group D2. Last evaluated: 2024-06-04. Review status: criteria provided, single submitter. Criteria: ACMG Guidelines, 2015. Collection method: clinical testing. Allele origin: germline.

Baylor Genetics
Classification: Pathogenic for Fanconi anemia complementation group D2. Last evaluated: 2023-10-12. Review status: criteria provided, single submitter. Criteria: ACMG Guidelines, 2015. Collection method: clinical testing. Allele origin: unknown.

Literature cited by the submitters: PubMed 23285130 (cited by Labcorp Genetics (formerly Invitae), Labcorp).